The following is an entry in ClinVar:

ClinVar aggregate classification (germline): Uncertain significance. Review status: criteria provided, multiple submitters, no conflicts (2 of 4 stars). 3 submissions from 3 submitters: Uncertain significance (2). 1 of the submissions does not count toward it. Last evaluated 2021-04-17.

Conditions:
Autosomal recessive nonsyndromic hearing loss 84B. Also called: Deafness, autosomal recessive 84b. Identifiers: Orphanet 90636, MedGen C3554159, MONDO:0013984, OMIM 614944.

Allele frequency attached by ClinVar (database versions not stated): ExAC 0.00002; gnomAD 0.00002; gnomAD exomes 0.00002; TOPMed 0.00003.
gnomAD v4.1: 35 of 1,557,058 alleles (0.0022%); highest among the groups gnomAD compares: Non-Finnish European, 0.0029%; no homozygotes.

Submissions (3):

Labcorp Genetics (formerly Invitae), Labcorp
Classification: Uncertain significance. Last evaluated: 2021-04-17. Review status: criteria provided, single submitter. Criteria: Invitae Variant Classification Sherloc (09022015). Collection method: clinical testing. Allele origin: germline.
Comment: In summary, the available evidence is currently insufficient to determine the role of this variant in disease. Therefore, it has been classified as a Variant of Uncertain Significance. Nucleotide substitutions within the consensus splice site are a relatively common cause of aberrant splicing (PMID: 17576681, 9536098). Algorithms developed to predict the effect of sequence changes on RNA splicing suggest that this variant may disrupt the consensus splice site, but this prediction has not been confirmed by published transcriptional studies. Algorithms developed to predict the effect of missense changes on protein structure and function are either unavailable or do not agree on the potential impact of this missense change (SIFT: "Deleterious"; PolyPhen-2: "Probably Damaging"; Align-GVGD: "Class C15"). This variant has not been reported in the literature in individuals with OTOGL-related conditions. This variant is present in population databases (rs778223464, ExAC 0.003%). This sequence change replaces glycine with arginine at codon 1675 of the OTOGL protein (p.Gly1675Arg). The glycine residue is highly conserved and there is a moderate physicochemical difference between glycine and arginine. This variant also falls at the last nucleotide of exon 42, which is part of the consensus splice site for this exon.

Blueprint Genetics
Classification: Uncertain significance. Last evaluated: 2019-12-02. Review status: criteria provided, single submitter. Criteria: ACMG Guidelines, 2015. Collection method: clinical testing. Allele origin: germline.

Service de Biologie Medicale, CIUSSS du Saguenay-Lac-Saint-Jean
Classification: Uncertain significance for Autosomal recessive nonsyndromic hearing loss 84B. Last evaluated: 2019-04-01. Review status: no assertion criteria provided. Collection method: clinical testing. Allele origin: unknown. Observed: 1 variant allele. Not counted in ClinVar's aggregate classification.
Comment: Obs in the compond heterozygous state with OTOGL: c.814_815del (p.Met272Valfs*4).

Literature cited by the submitters: PubMed 17576681 (cited by Labcorp Genetics (formerly Invitae), Labcorp); PubMed 9536098 (cited by Labcorp Genetics (formerly Invitae), Labcorp); DOI 10.1007/s00439-021-02332-w (cited by Service de Biologie Medicale, CIUSSS du Saguenay-Lac-Saint-Jean).

NM_001378609.3(OTOGL):c.5050G>A (p.Gly1684Arg)

Gene: OTOGL (otogelin like; plus strand). Cytogenetic location: 12q21.31.
Variant type: single nucleotide variant.
Coding change: c.5050G>A on transcript NM_001378609.3 (MANE Select); coding-DNA position 5050, G replaced by A.
Protein change: p.Gly1684Arg; replaces glycine 1684 with arginine.
Molecular consequence: missense variant.
Genome position (GRCh38, 1-based): chr12:80,339,264, G>A. VCF-style: chr12-80339264-G-A. GRCh37 (hg19) VCF-style: chr12-80733044-G-A.
Other names: c.4915G>A, p.Gly1639Arg (NM_001368062.3); c.5050G>A, p.Gly1684Arg (NM_001378610.3, NM_173591.7); short protein forms G1639R, G1684R.
Identifiers: ClinVar variation 1164003 (VCV001164003.8), dbSNP rs778223464, ClinGen allele CA6701579.